The following is an entry in ClinVar:

ClinVar aggregate classification (germline): Uncertain significance. Review status: criteria provided, multiple submitters, no conflicts (2 of 4 stars). 5 submissions from 5 submitters: Uncertain significance (5). Last evaluated 2026-01-15.

Conditions:
Global developmental delay - lung cysts - overgrowth - Wilms tumor syndrome. Also called: GLOW Syndrome; GLOBAL DEVELOPMENTAL DELAY, LUNG CYSTS, OVERGROWTH, AND WILMS TUMOR. Identifiers: Orphanet 404476, MedGen C4748924, MONDO:0018445, OMIM 618272.
DICER1-related tumor predisposition. Also called: DICER1 syndrome; DICER1-related pleuropulmonary blastoma cancer predisposition syndrome. Identifiers: Orphanet 284343, MedGen C3839822, MONDO:0100216.
Hereditary cancer-predisposing syndrome. Also called: Neoplastic Syndromes, Hereditary; Hereditary neoplastic syndrome; Tumor predisposition; Hereditary Cancer Syndrome. Identifiers: Orphanet 140162, MedGen C0027672, MeSH D009386, MONDO:0015356.

Submissions (5):

Labcorp Genetics (formerly Invitae), Labcorp
Classification: Uncertain significance for DICER1-related tumor predisposition. Last evaluated: 2026-01-15. Review status: criteria provided, single submitter. Criteria: Invitae Variant Classification Sherloc (09022015). Collection method: clinical testing. Allele origin: germline.
Comment: This sequence change replaces arginine, which is basic and polar, with histidine, which is basic and polar, at codon 201 of the DICER1 protein (p.Arg201His). The frequency data for this variant in the population databases is considered unreliable, as metrics indicate poor data quality at this position in the gnomAD database. This missense change has been observed in individual(s) with lung adenocarcinoma (PMID: 30672147). ClinVar contains an entry for this variant (Variation ID: 663210). Invitae Evidence Modeling of protein sequence and biophysical properties (such as structural, functional, and spatial information, amino acid conservation, physicochemical variation, residue mobility, and thermodynamic stability) indicates that this missense variant is not expected to disrupt DICER1 protein function with a negative predictive value of 95%. In summary, the available evidence is currently insufficient to determine the role of this variant in disease. Therefore, it has been classified as a Variant of Uncertain Significance.

Quest Diagnostics Nichols Institute San Juan Capistrano
Classification: Uncertain significance. Last evaluated: 2025-04-23. Review status: criteria provided, single submitter. Criteria: Quest Diagnostics criteria. Collection method: clinical testing. Allele origin: unknown.
Comment: The DICER1 c.602G>A (p.Arg201His) variant has been reported in the published literature in an individual with lung adenocarcinoma (PMID: 30672147 (2019)). The frequency of this variant in the general population (Genome Aggregation Database) is uninformative in the assessment of its pathogenicity. Analysis of this variant using bioinformatics tools for the prediction of the effect of amino acid changes on protein structure and function yielded predictions that this variant is damaging. Based on the available information, we are unable to determine the clinical significance of this variant.

GeneDx
Classification: Uncertain significance. Last evaluated: 2025-02-05. Review status: criteria provided, single submitter. Criteria: GeneDx Variant Classification Process June 2021. Collection method: clinical testing. Allele origin: germline. Affected: yes.
Comment: Not observed at significant frequency in large population cohorts (gnomAD); In silico analysis supports that this missense variant has a deleterious effect on protein structure/function; Observed in a patient with lung cancer (PMID: 30672147); This variant is associated with the following publications: (PMID: 30672147)

Baylor Genetics
Classification: Uncertain significance for Global developmental delay - lung cysts - overgrowth - Wilms tumor syndrome. Last evaluated: 2024-03-01. Review status: criteria provided, single submitter. Criteria: ACMG Guidelines, 2015. Collection method: clinical testing. Allele origin: unknown.

Ambry Genetics
Classification: Uncertain significance for Hereditary cancer-predisposing syndrome. Last evaluated: 2023-11-16. Review status: criteria provided, single submitter. Criteria: Ambry Variant Classification Scheme 2023. Collection method: clinical testing. Allele origin: germline.
Comment: The p.R201H variant (also known as c.602G>A), located in coding exon 5 of the DICER1 gene, results from a G to A substitution at nucleotide position 602. The arginine at codon 201 is replaced by histidine, an amino acid with highly similar properties. This variant was detected in a patient with lung adenocarcinoma (Kim J et al. Mol Genet Genomic Med, 2019 03;7:e555). This amino acid position is highly conserved in available vertebrate species. In addition, this alteration is predicted to be deleterious by in silico analysis. Since supporting evidence is limited at this time, the clinical significance of this alteration remains unclear.

Literature cited by the submitters: PubMed 30672147 (cited by 3 submitters).

NM_177438.3(DICER1):c.602G>A (p.Arg201His)

Gene: DICER1 (dicer 1, ribonuclease III; minus strand). Cytogenetic location: 14q32.13.
Variant type: single nucleotide variant.
Coding change: c.602G>A on transcript NM_177438.3 (MANE Select); coding-DNA position 602, G replaced by A.
Protein change: p.Arg201His; replaces arginine 201 with histidine.
Molecular consequence: missense variant.
Genome position (GRCh38, 1-based): chr14:95,129,604, C>T on the plus strand (G>A on the coding strand, the complement: DICER1 is on the minus strand). VCF-style: chr14-95129604-C-T. GRCh37 (hg19) VCF-style: chr14-95595941-C-T.
Other names: c.602G>A, p.Arg201His (NM_001195573.1, NM_001271282.3, NM_001291628.2 and 1 more transcripts); short protein forms R201H.
Identifiers: ClinVar variation 663210 (VCV000663210.18), dbSNP rs749484792, ClinGen allele CA7331611.